The following is an entry in ClinVar:

ClinVar aggregate classification (germline): Benign/Likely benign. Review status: criteria provided, multiple submitters, no conflicts (2 of 4 stars). 9 submissions from 9 submitters: Benign (2); Likely benign (6). 1 of the submissions does not count toward it. Last evaluated 2026-07-22.

Conditions:
SMARCA4-related disorder. Also called: SMARCA4-related condition.
Hereditary cancer-predisposing syndrome. Also called: Hereditary Cancer Syndrome; Tumor predisposition; Hereditary neoplastic syndrome; Neoplastic Syndromes, Hereditary. Identifiers: Orphanet 140162, MedGen C0027672, MeSH D009386, MONDO:0015356.
Rhabdoid tumor predisposition syndrome 2 (RTPS2). Identifiers: Orphanet 231108, Orphanet 69077, MedGen C2750074, MONDO:0013224, OMIM 613325.

Allele frequency attached by ClinVar (database versions not stated): gnomAD 0.00008 and 0.00009; 1000 Genomes Project 0.00020; ESP Exome Variant Server 0.00008; 1000 Genomes Project 30x 0.00016; gnomAD exomes 0.00017; TOPMed 0.00009; ExAC 0.00012.
gnomAD v4.1: 256 of 1,612,410 alleles (0.016%); highest among the groups gnomAD compares: Admixed American, 0.025%; no homozygotes.

Submissions (9):

Myriad Genetics, Inc.
Classification: Benign for Rhabdoid tumor predisposition syndrome 2. Last evaluated: 2026-07-22. Review status: criteria provided, single submitter. Criteria: Myriad Autosomal Dominant, Autosomal Recessive and X-Linked Classification Criteria (2023). Collection method: clinical testing. Allele origin: unknown.
Comment: This variant is considered benign. This variant is a silent/synonymous amino acid change and it is not expected to impact splicing.

Labcorp Genetics (formerly Invitae), Labcorp
Classification: Likely benign for Rhabdoid tumor predisposition syndrome 2. Last evaluated: 2026-01-31. Review status: criteria provided, single submitter. Criteria: Invitae Variant Classification Sherloc (09022015). Collection method: clinical testing. Allele origin: germline.

CeGaT Center for Human Genetics Tuebingen
Classification: Likely benign. Last evaluated: 2025-08-01. Review status: criteria provided, single submitter. Criteria: CeGaT Center For Human Genetics Tuebingen Variant Classification Criteria Version 2. Collection method: clinical testing. Allele origin: germline. Affected: yes. Observed: 2 variant alleles.
Comment: SMARCA4: BP4, BP7

Blueprint Genetics
Classification: Likely benign. Last evaluated: 2024-11-27. Review status: criteria provided, single submitter. Criteria: ACMG Guidelines, 2015. Collection method: clinical testing. Allele origin: germline.

Quest Diagnostics Nichols Institute San Juan Capistrano
Classification: Benign. Last evaluated: 2021-06-13. Review status: criteria provided, single submitter. Criteria: Quest Diagnostics criteria. Collection method: clinical testing. Allele origin: unknown.

Sema4
Classification: Likely benign for Hereditary cancer-predisposing syndrome. Last evaluated: 2021-03-29. Review status: criteria provided, single submitter. Criteria: Sema4 Curation Guidelines. Collection method: curation. Allele origin: germline.

GeneDx
Classification: Likely benign. Last evaluated: 2020-01-07. Review status: criteria provided, single submitter. Criteria: GeneDx Variant Classification Process June 2021. Collection method: clinical testing. Allele origin: germline. Affected: yes.

Ambry Genetics
Classification: Likely benign for Hereditary cancer-predisposing syndrome. Last evaluated: 2015-06-22. Review status: criteria provided, single submitter. Criteria: Ambry Variant Classification Scheme 2023. Collection method: clinical testing. Allele origin: germline.

PreventionGenetics, part of Exact Sciences
Classification: Likely benign for SMARCA4-related condition. Last evaluated: 2022-01-18. Review status: no assertion criteria provided. Collection method: clinical testing. Allele origin: germline. Not counted in ClinVar's aggregate classification.
Comment: This variant is classified as likely benign based on ACMG/AMP sequence variant interpretation guidelines (Richards et al. 2015 PMID: 25741868, with internal and published modifications).

NM_003072.5(SMARCA4):c.4329C>T (p.Arg1443=)

Gene: SMARCA4 (SWI/SNF related BAF chromatin remodeling complex subunit ATPase 4; plus strand). Cytogenetic location: 19p13.2.
Variant type: single nucleotide variant.
Coding change: c.4329C>T on transcript NM_003072.5 (MANE Select); coding-DNA position 4329, C replaced by T.
Protein change: p.Arg1443=; no amino-acid change (arginine 1443 retained).
Molecular consequence: synonymous variant. On other transcripts: non-coding transcript variant (1).
Genome position (GRCh38, 1-based): chr19:11,041,465, C>T. VCF-style: chr19-11041465-C-T. GRCh37 (hg19) VCF-style: chr19-11152141-C-T.
Other names: c.4230C>T, p.Arg1410= (NM_001374457.1, NM_001128847.4, NM_001128848.2); c.4425C>T, p.Arg1475= (NM_001387283.1, NM_001128849.3); c.4329C>T, p.Arg1443= (NM_001128844.3); c.4239C>T, p.Arg1413= (NM_001128845.2, NM_001128846.2).
Identifiers: ClinVar variation 238471 (VCV000238471.49), dbSNP rs373999751, ClinGen allele CA9204703.